The following is an entry in ClinVar:

NM_020461.4(TUBGCP6):c.2491T>A (p.Ser831Thr)

Gene: TUBGCP6 (tubulin gamma complex component 6; minus strand). Cytogenetic location: 22q13.33.
Variant type: single nucleotide variant.
Coding change: c.2491T>A on transcript NM_020461.4 (MANE Select); coding-DNA position 2491, T replaced by A.
Protein change: p.Ser831Thr; replaces serine 831 with threonine.
Molecular consequence: missense variant.
Genome position (GRCh38, 1-based): chr22:50,221,868, A>T on the plus strand (T>A on the coding strand, the complement: TUBGCP6 is on the minus strand). VCF-style: chr22-50221868-A-T. GRCh37 (hg19) VCF-style: chr22-50660297-A-T.
Other names: short protein forms S831T.
Identifiers: ClinVar variation 1522090 (VCV001522090.6), dbSNP rs2147180949, ClinGen allele CA412097899.

ClinVar aggregate classification (germline): Uncertain significance (1 of 4 stars; one submission).

Submission:

Labcorp Genetics (formerly Invitae), Labcorp
Classification: Uncertain significance. Last evaluated: 2022-06-04. Review status: criteria provided, single submitter. Criteria: Invitae Variant Classification Sherloc (09022015). Collection method: clinical testing. Allele origin: germline.
Comment: This sequence change replaces serine, which is neutral and polar, with threonine, which is neutral and polar, at codon 831 of the TUBGCP6 protein (p.Ser831Thr). This variant is not present in population databases (gnomAD no frequency). This variant has not been reported in the literature in individuals affected with TUBGCP6-related conditions. ClinVar contains an entry for this variant (Variation ID: 1522090). Algorithms developed to predict the effect of missense changes on protein structure and function (SIFT, PolyPhen-2, Align-GVGD) all suggest that this variant is likely to be tolerated. In summary, the available evidence is currently insufficient to determine the role of this variant in disease. Therefore, it has been classified as a Variant of Uncertain Significance.